The following is an entry in ClinVar:

NM_014795.4(ZEB2):c.807+3G>C

Gene: ZEB2 (zinc finger E-box binding homeobox 2; minus strand). Cytogenetic location: 2q22.3.
Variant type: single nucleotide variant.
Coding change: c.807+3G>C on transcript NM_014795.4 (MANE Select); 3 bases into the intron after coding-DNA position 807, G replaced by C.
Molecular consequence: intron variant.
Genome position (GRCh38, 1-based): chr2:144,403,913, C>G on the plus strand (G>C on the coding strand, the complement: ZEB2 is on the minus strand). VCF-style: chr2-144403913-C-G. GRCh37 (hg19) VCF-style: chr2-145161480-C-G.
Other names: c.735+3G>C (NM_001171653.2).
Identifiers: ClinVar variation 95642 (VCV000095642.48), dbSNP rs144925893, ClinGen allele CA148685.

ClinVar aggregate classification (germline): Benign/Likely benign. Review status: criteria provided, multiple submitters, no conflicts (2 of 4 stars). 10 submissions from 10 submitters: Benign (7); Likely benign (2). 1 of the submissions does not count toward it. Last evaluated 2026-02-01.

Conditions:
ZEB2-related disorder. Also called: ZEB2-related condition.
Inborn genetic diseases. Identifiers: MedGen C0950123, MeSH D030342.
Mowat-Wilson syndrome (MOWS). Also called: Classic Mowat-Wilson Syndrome. Identifiers: Orphanet 2152, MedGen C1856113, MONDO:0009341, OMIM 235730.

Allele frequency attached by ClinVar (database versions not stated): gnomAD 0.00186 and 0.00194; TOPMed 0.00200; ESP Exome Variant Server 0.00261; 1000 Genomes Project 30x 0.00390; 1000 Genomes Project 0.00439.
gnomAD v4.1: 619 of 1,614,132 alleles (0.038%); highest among the groups gnomAD compares: African/African-American, 0.66%; 4 homozygotes.

Submissions (10):

Labcorp Genetics (formerly Invitae), Labcorp
Classification: Benign for Mowat-Wilson syndrome. Last evaluated: 2026-02-01. Review status: criteria provided, single submitter. Criteria: Invitae Variant Classification Sherloc (09022015). Collection method: clinical testing. Allele origin: germline.

Blueprint Genetics
Classification: Likely benign. Last evaluated: 2024-09-23. Review status: criteria provided, single submitter. Criteria: ACMG Guidelines, 2015. Collection method: clinical testing. Allele origin: germline.

CeGaT Center for Human Genetics Tuebingen
Classification: Benign. Last evaluated: 2022-11-01. Review status: criteria provided, single submitter. Criteria: CeGaT Center For Human Genetics Tuebingen Variant Classification Criteria Version 2. Collection method: clinical testing. Allele origin: germline. Affected: yes. Observed: 1 variant allele.
Comment: ZEB2: BP4, BS1, BS2

Genome-Nilou Lab
Classification: Benign for Mowat-Wilson syndrome. Last evaluated: 2021-11-07. Review status: criteria provided, single submitter. Criteria: ACMG Guidelines, 2015. Collection method: clinical testing. Allele origin: germline. Affected: no.

Mendelics
Classification: Likely benign for Mowat-Wilson syndrome. Last evaluated: 2019-05-28. Review status: criteria provided, single submitter. Criteria: Mendelics Assertion Criteria 2017. Collection method: clinical testing. Allele origin: unknown.

Center for Pediatric Genomic Medicine, Children's Mercy Hospital and Clinics
Classification: Benign. Last evaluated: 2017-05-30. Review status: criteria provided, single submitter. Criteria: ACMG Guidelines, 2015. Collection method: clinical testing. Allele origin: germline.

Ambry Genetics
Classification: Benign for Inborn genetic diseases. Last evaluated: 2016-11-03. Review status: criteria provided, single submitter. Criteria: Ambry Variant Classification Scheme 2023. Collection method: clinical testing. Allele origin: germline.

Eurofins Ntd Llc (ga)
Classification: Benign. Last evaluated: 2013-10-25. Review status: criteria provided, single submitter. Criteria: EGL Classification Definitions 2015. Collection method: clinical testing. Allele origin: germline. Observed: 1 variant allele, 1 heterozygote.

GeneDx
Classification: Benign. Last evaluated: 2013-03-28. Review status: criteria provided, single submitter. Criteria: GeneDx Variant Classification (06012015). Collection method: clinical testing. Allele origin: germline. Affected: yes.
Comment: This variant is considered likely benign or benign based on one or more of the following criteria: it is a conservative change, it occurs at a poorly conserved position in the protein, it is predicted to be benign by multiple in silico algorithms, and/or has population frequency not consistent with disease.

PreventionGenetics, part of Exact Sciences
Classification: Benign for ZEB2-related condition. Last evaluated: 2024-05-15. Review status: no assertion criteria provided. Collection method: clinical testing. Allele origin: germline. Not counted in ClinVar's aggregate classification.
Comment: This variant is classified as benign based on ACMG/AMP sequence variant interpretation guidelines (Richards et al. 2015 PMID: 25741868, with internal and published modifications).